The following is an entry in ClinVar:

ClinVar aggregate classification (germline): Uncertain significance (1 of 4 stars; one submission).

Allele frequency attached by ClinVar (database versions not stated): 1000 Genomes Project 30x 0.00016.
gnomAD v4.1: 19 of 1,613,970 alleles (0.0012%); highest among the groups gnomAD compares: Admixed American, 0.025%; no homozygotes.

Submission:

Labcorp Genetics (formerly Invitae), Labcorp
Classification: Uncertain significance. Last evaluated: 2022-02-10. Review status: criteria provided, single submitter. Criteria: Invitae Variant Classification Sherloc (09022015). Collection method: clinical testing. Allele origin: germline.
Comment: This sequence change replaces valine, which is neutral and non-polar, with methionine, which is neutral and non-polar, at codon 199 of the C9 protein (p.Val199Met). This variant is present in population databases (rs753583142, gnomAD 0.03%). This variant has not been reported in the literature in individuals affected with C9-related conditions. Algorithms developed to predict the effect of missense changes on protein structure and function output the following: SIFT: "Not Available"; PolyPhen-2: "Possibly Damaging"; Align-GVGD: "Not Available". The methionine amino acid residue is found in multiple mammalian species, which suggests that this missense change does not adversely affect protein function. In summary, the available evidence is currently insufficient to determine the role of this variant in disease. Therefore, it has been classified as a Variant of Uncertain Significance.

NM_001737.5(C9):c.595G>A (p.Val199Met)

Gene: C9 (complement C9; minus strand). Cytogenetic location: 5p13.1.
Variant type: single nucleotide variant.
Coding change: c.595G>A on transcript NM_001737.5 (MANE Select); coding-DNA position 595, G replaced by A.
Protein change: p.Val199Met; replaces valine 199 with methionine.
Molecular consequence: missense variant.
Genome position (GRCh38, 1-based): chr5:39,331,696, C>T on the plus strand (G>A on the coding strand, the complement: C9 is on the minus strand). VCF-style: chr5-39331696-C-T. GRCh37 (hg19) VCF-style: chr5-39331798-C-T.
Other names: short protein forms V199M.
Identifiers: ClinVar variation 1358477 (VCV001358477.4), dbSNP rs753583142, ClinGen allele CA3246956.